The following is an entry in ClinVar:

ClinVar aggregate classification (germline): Uncertain significance. Review status: criteria provided, multiple submitters, no conflicts (2 of 4 stars). 2 submissions from 2 submitters: Uncertain significance (2). Last evaluated 2025-08-04.

Allele frequency attached by ClinVar (database versions not stated): gnomAD exomes below 0.00001; TOPMed below 0.00001; gnomAD 0.00001.
gnomAD v4.1: 8 of 1,614,060 alleles (0.0005%); highest among the groups gnomAD compares: Admixed American, 0.012%; no homozygotes.

Submissions (2):

Labcorp Genetics (formerly Invitae), Labcorp
Classification: Uncertain significance. Last evaluated: 2025-08-04. Review status: criteria provided, single submitter. Criteria: Invitae Variant Classification Sherloc (09022015). Collection method: clinical testing. Allele origin: germline.
Comment: This sequence change replaces glutamic acid, which is acidic and polar, with lysine, which is basic and polar, at codon 195 of the PRPF6 protein (p.Glu195Lys). This variant is present in population databases (no rsID available, gnomAD 0.009%). This variant has not been reported in the literature in individuals affected with PRPF6-related conditions. ClinVar contains an entry for this variant (Variation ID: 3003469). Invitae Evidence Modeling of protein sequence and biophysical properties (such as structural, functional, and spatial information, amino acid conservation, physicochemical variation, residue mobility, and thermodynamic stability) indicates that this missense variant is not expected to disrupt PRPF6 protein function with a negative predictive value of 80%. In summary, the available evidence is currently insufficient to determine the role of this variant in disease. Therefore, it has been classified as a Variant of Uncertain Significance.

Blueprint Genetics
Classification: Uncertain significance. Last evaluated: 2022-08-08. Review status: criteria provided, single submitter. Criteria: ACMG Guidelines, 2015. Collection method: clinical testing. Allele origin: germline.

NM_012469.4(PRPF6):c.583G>A (p.Glu195Lys)

Gene: PRPF6 (pre-mRNA processing factor 6; plus strand). Cytogenetic location: 20q13.33.
Variant type: single nucleotide variant.
Coding change: c.583G>A on transcript NM_012469.4 (MANE Select); coding-DNA position 583, G replaced by A.
Protein change: p.Glu195Lys; replaces glutamic acid 195 with lysine.
Molecular consequence: missense variant.
Genome position (GRCh38, 1-based): chr20:63,995,060, G>A. VCF-style: chr20-63995060-G-A. GRCh37 (hg19) VCF-style: chr20-62626413-G-A.
Other names: short protein forms E195K.
Identifiers: ClinVar variation 3003469 (VCV003003469.4), dbSNP rs1165245480, ClinGen allele CA409715787.